The following is an entry in ClinVar:

NC_000014.9:g.(?_102870182)_(102930700_?)del

Genes: AMN (amnion associated transmembrane protein; plus strand), TRAF3 (TNF receptor associated factor 3; plus strand), LOC126862065 (BRD4-independent group 4 enhancer GRCh37_chr14:103352003-103353202; plus strand), LOC130056550 (ATAC-STARR-seq lymphoblastoid active region 9091; plus strand), LOC130056551 (ATAC-STARR-seq lymphoblastoid active region 9092; plus strand) and 3 more. Cytogenetic location: 14q32.32.
Variant type: Deletion.
Identifiers: ClinVar variation 532214 (VCV000532214.1).

ClinVar aggregate classification (germline): Pathogenic (1 of 4 stars; one submission).

Conditions:
Imerslund-Grasbeck syndrome. Also called: Imerslund-Gräsbeck syndrome; Megaloblastic anemia due to inborn errors of metabolism; ENTEROCYTE COBALAMIN MALABSORPTION; ENTEROCYTE INTRINSIC FACTOR RECEPTOR, DEFECT OF; PERNICIOUS ANEMIA, JUVENILE, DUE TO SELECTIVE INTESTINAL MALABSORPTION OF VITAMIN B12, WITH PROTEINURIA. Identifiers: Orphanet 35858, MedGen C4551825, MONDO:0009853.

Submission:

Labcorp Genetics (formerly Invitae), Labcorp
Classification: Pathogenic for Imerslund-Grasbeck syndrome. Last evaluated: 2017-11-15. Review status: criteria provided, single submitter. Criteria: Invitae Variant Classification Sherloc (09022015). Collection method: clinical testing. Allele origin: germline.
Comment: A gross deletion of the genomic region encompassing the full coding sequence of the AMN gene has been identified. The boundaries of this event are unknown as the deletion extends beyond the assayed region for this gene and therefore may encompass additional genes. This variant has not been reported in the literature in individuals with AMN-related disease. Loss-of-function variants in AMN are known to be pathogenic (PMID: 12590260, 22929189). For these reasons, this variant has been classified as Pathogenic.